The following is an entry in ClinVar:

ClinVar aggregate classification (germline): Uncertain significance. Review status: criteria provided, multiple submitters, no conflicts (2 of 4 stars). 2 submissions from 2 submitters: Uncertain significance (2). Last evaluated 2025-11-12.

gnomAD v4.1: 2 of 1,612,952 alleles (0.00012%); highest among the groups gnomAD compares: Non-Finnish European, 0.000085%; no homozygotes.

Submissions (2):

Labcorp Genetics (formerly Invitae), Labcorp
Classification: Uncertain significance. Last evaluated: 2025-11-12. Review status: criteria provided, single submitter. Criteria: Invitae Variant Classification Sherloc (09022015). Collection method: clinical testing. Allele origin: germline.
Comment: This sequence change replaces alanine, which is neutral and non-polar, with serine, which is neutral and polar, at codon 185 of the KCNH1 protein (p.Ala185Ser). The frequency data for this variant in the population databases is considered unreliable, as metrics indicate poor data quality at this position in the gnomAD database. This variant has not been reported in the literature in individuals affected with KCNH1-related conditions. ClinVar contains an entry for this variant (Variation ID: 4079050). Invitae Evidence Modeling of protein sequence and biophysical properties (such as structural, functional, and spatial information, amino acid conservation, physicochemical variation, residue mobility, and thermodynamic stability) has been performed for this missense variant. However, the output from this modeling did not meet the statistical confidence thresholds required to predict the impact of this variant on KCNH1 protein function. In summary, the available evidence is currently insufficient to determine the role of this variant in disease. Therefore, it has been classified as a Variant of Uncertain Significance.

Revvity Omics, Revvity
Classification: Uncertain significance. Last evaluated: 2024-07-09. Review status: criteria provided, single submitter. Criteria: ACMG Guidelines, 2015. Collection method: clinical testing. Allele origin: germline.

NM_172362.3(KCNH1):c.553G>T (p.Ala185Ser)

Gene: KCNH1 (potassium voltage-gated channel subfamily H member 1; minus strand). Cytogenetic location: 1q32.2.
Variant type: single nucleotide variant.
Coding change: c.553G>T on transcript NM_172362.3 (MANE Select); coding-DNA position 553, G replaced by T.
Protein change: p.Ala185Ser; replaces alanine 185 with serine.
Molecular consequence: missense variant.
Genome position (GRCh38, 1-based): chr1:211,082,785, C>A on the plus strand (G>T on the coding strand, the complement: KCNH1 is on the minus strand). VCF-style: chr1-211082785-C-A. GRCh37 (hg19) VCF-style: chr1-211256127-C-A.
Other names: c.553G>T, p.Ala185Ser (NM_002238.4); short protein forms A185S.
Identifiers: ClinVar variation 4079050 (VCV004079050.2).